The following is an entry in ClinVar:

ClinVar aggregate classification (germline): Pathogenic (1 of 4 stars; one submission).

Submission:

Labcorp Genetics (formerly Invitae), Labcorp
Classification: Pathogenic. Last evaluated: 2023-10-30. Review status: criteria provided, single submitter. Criteria: Invitae Variant Classification Sherloc (09022015). Collection method: clinical testing. Allele origin: germline.
Comment: This sequence change replaces tryptophan, which is neutral and slightly polar, with arginine, which is basic and polar, at codon 412 of the USH2A protein (p.Trp412Arg). This variant is not present in population databases (gnomAD no frequency). This missense change has been observed in individual(s) with retinitis pigmentosa (Invitae). In at least one individual the data is consistent with being in trans (on the opposite chromosome) from a pathogenic variant. Advanced modeling of protein sequence and biophysical properties (such as structural, functional, and spatial information, amino acid conservation, physicochemical variation, residue mobility, and thermodynamic stability) performed at Invitae indicates that this missense variant is expected to disrupt USH2A protein function with a positive predictive value of 95%. This variant disrupts the p.Trp412 amino acid residue in USH2A. Other variant(s) that disrupt this residue have been determined to be pathogenic (Invitae). This suggests that this residue is clinically significant, and that variants that disrupt this residue are likely to be disease-causing. For these reasons, this variant has been classified as Pathogenic.

NM_206933.4(USH2A):c.1234T>A (p.Trp412Arg)

Gene: USH2A (usherin; minus strand). Cytogenetic location: 1q41.
Variant type: single nucleotide variant.
Coding change: c.1234T>A on transcript NM_206933.4 (MANE Select); coding-DNA position 1234, T replaced by A.
Protein change: p.Trp412Arg; replaces tryptophan 412 with arginine.
Molecular consequence: missense variant.
Genome position (GRCh38, 1-based): chr1:216,324,262, A>T on the plus strand (T>A on the coding strand, the complement: USH2A is on the minus strand). VCF-style: chr1-216324262-A-T. GRCh37 (hg19) VCF-style: chr1-216497604-A-T.
Other names: c.1234T>A, p.Trp412Arg (NM_007123.6); short protein forms W412R.
Identifiers: ClinVar variation 2831738 (VCV002831738.3), dbSNP rs2527436317, ClinGen allele CA344911727.